The following is an entry in ClinVar:

ClinVar aggregate classification (germline): Uncertain significance (1 of 4 stars; one submission).

Submission:

Ambry Genetics
Classification: Uncertain significance. Last evaluated: 2022-09-08. Review status: criteria provided, single submitter. Criteria: Ambry Variant Classification Scheme 2023. Collection method: clinical testing. Allele origin: germline.
Comment: The p.V519A variant (also known as c.1556T>C), located in coding exon 14 of the RAD54L gene, results from a T to C substitution at nucleotide position 1556. The valine at codon 519 is replaced by alanine, an amino acid with similar properties. This amino acid position is conserved. In addition, the in silico prediction for this alteration is inconclusive. Since supporting evidence is limited at this time, the clinical significance of this alteration remains unclear.

NM_003579.4(RAD54L):c.1556T>C (p.Val519Ala)

Gene: RAD54L (RAD54 like; plus strand). Cytogenetic location: 1p34.1.
Variant type: single nucleotide variant.
Coding change: c.1556T>C on transcript NM_003579.4 (MANE Select); coding-DNA position 1556, T replaced by C.
Protein change: p.Val519Ala; replaces valine 519 with alanine.
Molecular consequence: missense variant.
Genome position (GRCh38, 1-based): chr1:46,273,693, T>C. VCF-style: chr1-46273693-T-C. GRCh37 (hg19) VCF-style: chr1-46739365-T-C.
Other names: c.1556T>C, p.Val519Ala (NM_001142548.2); c.1016T>C, p.Val339Ala (NM_001370766.1); short protein forms V519A, V339A.
Identifiers: ClinVar variation 1775166 (VCV001775166.2), dbSNP rs2525713396, ClinGen allele CA340182337.